The following is an entry in ClinVar:

ClinVar aggregate classification (germline): Pathogenic (1 of 4 stars; one submission).

Conditions:
Salla disease (SD). Also called: Less Severe FSASD (Salla Disease); Sialuria, Finnish type; N-acetylneuraminic acid (NANA) storage disease (NSD); Infantile sialic acid storage disorder (ISSD). Identifiers: Orphanet 309334, Orphanet 834, MedGen C1096903, MONDO:0011449, OMIM 604369.

Submission:

Labcorp Genetics (formerly Invitae), Labcorp
Classification: Pathogenic for Salla disease. Last evaluated: 2022-08-24. Review status: criteria provided, single submitter. Criteria: Invitae Variant Classification Sherloc (09022015). Collection method: clinical testing. Allele origin: germline.
Comment: This sequence change creates a premature translational stop signal (p.Gln347*) in the SLC17A5 gene. It is expected to result in an absent or disrupted protein product. Loss-of-function variants in SLC17A5 are known to be pathogenic (PMID: 10581036, 10947946, 15172001). This variant is not present in population databases (gnomAD no frequency). This variant has not been reported in the literature in individuals affected with SLC17A5-related conditions. Algorithms developed to predict the effect of sequence changes on RNA splicing suggest that this variant may disrupt the consensus splice site. For these reasons, this variant has been classified as Pathogenic.

Literature cited by the submitters: PubMed 10581036; PubMed 10947946; PubMed 15172001.

NM_012434.5(SLC17A5):c.1039C>T (p.Gln347Ter)

Gene: SLC17A5 (solute carrier family 17 member 5; minus strand). Cytogenetic location: 6q13.
Variant type: single nucleotide variant.
Coding change: c.1039C>T on transcript NM_012434.5 (MANE Select); coding-DNA position 1039, C replaced by T.
Protein change: p.Gln347Ter; replaces glutamine 347 with a stop codon.
Molecular consequence: nonsense.
Genome position (GRCh38, 1-based): chr6:73,615,387, G>A on the plus strand (C>T on the coding strand, the complement: SLC17A5 is on the minus strand). VCF-style: chr6-73615387-G-A. GRCh37 (hg19) VCF-style: chr6-74325110-G-A.
Other names: c.808C>T, p.Gln270Ter (NM_001382629.1); c.1039C>T, p.Gln347Ter (NM_001382630.1, NM_001382633.1); c.1060C>T, p.Gln354Ter (NM_001382631.1); c.952C>T, p.Gln318Ter (NM_001382632.1); c.880C>T, p.Gln294Ter (NM_001382634.1); c.1036C>T, p.Gln346Ter (NM_001382635.1); c.721C>T, p.Gln241Ter (NM_001382636.1); short protein forms Q270*, Q241*, Q294*, Q346*, Q347*, Q354*, Q318*.
Identifiers: ClinVar variation 2026744 (VCV002026744.4), dbSNP rs2533429418, ClinGen allele CA364712303.